The following is an entry in ClinVar:

ClinVar aggregate classification (germline): Likely pathogenic (1 of 4 stars; one submission).

Submission:

GeneDx
Classification: Likely pathogenic. Last evaluated: 2019-03-08. Review status: criteria provided, single submitter. Criteria: GeneDx Variant Classification (06012015). Collection method: clinical testing. Allele origin: germline. Affected: yes.
Comment: The c.864_867delAGGC variant in the ITGA3 gene has not been reported previously as a pathogenic variant nor as a benign variant, to our knowledge. The c.864_867delAGGC variant causes a frameshift starting with codon Glycine 289, changes this amino acid to a Glutamic Acid residue, and creates a premature Stop codon at position 27 of the new reading frame, denoted p.Gly289GlufsX27. This variant is predicted to cause loss of normal protein function either through protein truncation or nonsense-mediated mRNA decay. The c.864_867delAGGC variant is not observed in large population cohorts (Lek et al., 2016). We interpret c.864_867delAGGC as a likely pathogenic variant.

NM_002204.4(ITGA3):c.864_867del (p.Gly289fs)

Gene: ITGA3 (integrin subunit alpha 3; plus strand). Cytogenetic location: 17q21.33.
Variant type: Microsatellite.
Coding change: c.864_867del on transcript NM_002204.4 (MANE Select); coding-DNA positions 864 to 867, 4 bases deleted (AGGC; older notation c.864_867delAGGC).
Protein change: p.Gly289fs; shifts the reading frame from glycine 289.
Molecular consequence: frameshift variant.
Genome position (GRCh38, 1-based): chr17:50,071,423-50,071,426, AGGC deleted; deleting any 4 consecutive bases within chr17:50,071,419-50,071,426 gives the same sequence; the c. name uses the placement nearest the transcript's 3' end. VCF-style (leftmost placement, unchanged base first): chr17-50071418-GAGGC-G. GRCh37 (hg19) VCF-style: chr17-48148782-GAGGC-G.
Other names: short protein forms G289fs.
Identifiers: ClinVar variation 818042 (VCV000818042.1), dbSNP rs1598186840, ClinGen allele CA915950628.